The following is an entry in ClinVar:

NM_181672.3(OGT):c.2163C>T (p.Ile721=)

Gene: OGT (O-linked N-acetylglucosamine (GlcNAc) transferase; plus strand). Cytogenetic location: Xq13.1.
Variant type: single nucleotide variant.
Coding change: c.2163C>T on transcript NM_181672.3 (MANE Select); coding-DNA position 2163, C replaced by T.
Protein change: p.Ile721=; no amino-acid change (isoleucine 721 retained).
Molecular consequence: synonymous variant.
Genome position (GRCh38, 1-based): chrX:71,563,144, C>T. VCF-style: chrX-71563144-C-T. GRCh37 (hg19) VCF-style: chrX-70782994-C-T.
Other names: c.2133C>T, p.Ile711= (NM_181673.3).
Identifiers: ClinVar variation 3363380 (VCV003363380.2).

ClinVar aggregate classification (germline): Uncertain significance (1 of 4 stars; one submission).

gnomAD v4.1: 4 of 1,208,446 alleles (0.00033%); highest among the groups gnomAD compares: African/African-American, 0.0052%; no homozygotes.

Submission:

GeneDx
Classification: Uncertain significance. Last evaluated: 2025-08-27. Review status: criteria provided, single submitter. Criteria: GeneDx Variant Classification Process June 2021. Collection method: clinical testing. Allele origin: germline.
Comment: Not observed at significant frequency in large population cohorts (gnomAD); In silico analysis is inconclusive as to whether the variant alters gene splicing. In the absence of RNA/functional studies, the actual effect of this sequence change is unknown.; Has not been previously published as pathogenic or benign to our knowledge